The following is an entry in ClinVar:

NM_152564.5(VPS13B):c.11839_11842dup (p.Ser3948fs)

Gene: VPS13B (vacuolar protein sorting 13 homolog B; plus strand). Cytogenetic location: 8q22.2.
Variant type: Duplication.
Coding change: c.11839_11842dup on transcript NM_152564.5 (MANE Select); coding-DNA positions 11839 to 11842, 4 bases duplicated (TCTT; older notation c.11839_11842dupTCTT).
Protein change: p.Ser3948fs; shifts the reading frame from serine 3948.
Molecular consequence: frameshift variant.
Genome position (GRCh38, 1-based): chr8:99,875,511-99,875,514, TCTT duplicated; duplicating any 4 consecutive bases within chr8:99,875,510-99,875,514 gives the same sequence; the c. name uses the placement nearest the transcript's 3' end. VCF-style (leftmost placement, unchanged base first): chr8-99875509-G-GTTCT. GRCh37 (hg19) VCF-style: chr8-100887737-G-GTTCT.
Other names: c.11914_11917dup, p.Ser3973fs (NM_017890.5); short protein forms S3973fs, S3948fs.
Identifiers: ClinVar variation 861389 (VCV000861389.9), dbSNP rs1817657601, ClinGen allele CA916081512.

ClinVar aggregate classification (germline): Pathogenic (1 of 4 stars; one submission).

Conditions:
Cohen syndrome (COH1). Also called: PEPPER SYNDROME; Cutis verticis gyrata, retinitis pigmentosa, and sensorineural deafness. Identifiers: Orphanet 193, MedGen C0265223, MONDO:0008999, OMIM 216550.

Submission:

Labcorp Genetics (formerly Invitae), Labcorp
Classification: Pathogenic for Cohen syndrome. Last evaluated: 2025-11-03. Review status: criteria provided, single submitter. Criteria: Invitae Variant Classification Sherloc (09022015). Collection method: clinical testing. Allele origin: germline.
Comment: This sequence change creates a premature translational stop signal (p.Ser3973Phefs*20) in the VPS13B gene. While this is not anticipated to result in nonsense mediated decay, it is expected to disrupt the last 50 amino acid(s) of the VPS13B protein. This variant is not present in population databases (gnomAD no frequency). This variant has not been reported in the literature in individuals affected with VPS13B-related conditions. ClinVar contains an entry for this variant (Variation ID: 861389). This variant disrupts a region of the VPS13B protein in which other variant(s) (p.Lys3991Leufs*23) have been determined to be pathogenic (internal data). This suggests that this is a clinically significant region of the protein, and that variants that disrupt it are likely to be disease-causing. For these reasons, this variant has been classified as Pathogenic.